The following is an entry in ClinVar:

NM_014874.4(MFN2):c.564C>T (p.Cys188=)

Gene: MFN2 (mitofusin 2; plus strand). Cytogenetic location: 1p36.22.
Variant type: single nucleotide variant.
Coding change: c.564C>T on transcript NM_014874.4 (MANE Select); coding-DNA position 564, C replaced by T.
Protein change: p.Cys188=; no amino-acid change (cysteine 188 retained).
Molecular consequence: synonymous variant.
Genome position (GRCh38, 1-based): chr1:11,997,386, C>T. VCF-style: chr1-11997386-C-T. GRCh37 (hg19) VCF-style: chr1-12057443-C-T.
Other names: c.564C>T, p.Cys188= (NM_001127660.2).
Identifiers: ClinVar variation 390697 (VCV000390697.17), dbSNP rs536007087, ClinGen allele CA598855.

ClinVar aggregate classification (germline): Benign/Likely benign. Review status: criteria provided, multiple submitters, no conflicts (2 of 4 stars). 7 submissions from 7 submitters: Benign (2); Likely benign (5). Last evaluated 2025-10-14.

Conditions:
Inborn genetic diseases. Identifiers: MedGen C0950123, MeSH D030342.
Charcot-Marie-Tooth disease type 2. Also called: Charcot-Marie-Tooth type 2. Identifiers: Orphanet 64746, MedGen C0270914, MONDO:0018993.
Charcot-Marie-Tooth disease type 2A2. Also called: CHARCOT-MARIE-TOOTH DISEASE, NEURONAL, TYPE 2A2; CHARCOT-MARIE-TOOTH DISEASE, AXONAL, AUTOSOMAL DOMINANT, TYPE 2A2A; Charcot-Marie-Tooth Neuropathy Type 2A2; CHARCOT-MARIE-TOOTH DISEASE, AXONAL, TYPE 2A2; HEREDITARY MOTOR AND SENSORY NEUROPATHY IIA2; HMSN IIA2. Identifiers: Orphanet 99947, MedGen C4721887, MONDO:0012231, OMIM 609260.
Charcot-Marie-Tooth disease, axonal, autosomal recessive, type 2a2b;. Also called: Charcot-Marie-Tooth disease, axonal, autosomal recessive, type 2A2B; Charcot-Marie-Tooth disease, axonal, type 2A2B. Identifiers: MedGen C4310725, MONDO:0014906, OMIM 617087.
Neuropathy, hereditary motor and sensory, type 6A (HMSN6A). Also called: HMSN VIA; CHARCOT-MARIE-TOOTH DISEASE, TYPE 6A; NEUROPATHY, HEREDITARY MOTOR AND SENSORY, TYPE VIA; NEUROPATHY, HEREDITARY MOTOR AND SENSORY, TYPE VIA, WITH OPTIC ATROPHY. Identifiers: MedGen CN305336, MONDO:0011002, OMIM 601152.
Charcot-Marie-Tooth disease. Also called: Charcot-Marie-Tooth Neuropathy; Charcot-Marie-Tooth Hereditary Neuropathy. Identifiers: Orphanet 166, MedGen C0007959, MONDO:0015626.

Allele frequency attached by ClinVar (database versions not stated): gnomAD below 0.00001 and 0.00011; TOPMed 0.00002; gnomAD exomes 0.00011 and 0.00023; ExAC 0.00028; 1000 Genomes Project 0.00100; 1000 Genomes Project 30x 0.00125.
gnomAD v4.1: 184 of 1,614,166 alleles (0.011%); highest among the groups gnomAD compares: South Asian, 0.19%; 2 homozygotes.

Submissions (7):

Labcorp Genetics (formerly Invitae), Labcorp
Classification: Benign for Charcot-Marie-Tooth disease type 2. Last evaluated: 2025-10-14. Review status: criteria provided, single submitter. Criteria: Invitae Variant Classification Sherloc (09022015). Collection method: clinical testing. Allele origin: germline.

Athena Diagnostics
Classification: Benign. Last evaluated: 2025-04-16. Review status: criteria provided, single submitter. Criteria: Athena Diagnostics Criteria. Collection method: clinical testing. Allele origin: unknown.
Comment: The frequency of this variant in the general population is higher than would generally be expected for pathogenic variants in this gene. Computational tools yielded predictions that this variant is unlikely to have an effect on normal RNA splicing.

Blueprint Genetics
Classification: Likely benign. Last evaluated: 2024-09-02. Review status: criteria provided, single submitter. Criteria: ACMG Guidelines, 2015. Collection method: clinical testing. Allele origin: germline.

Fulgent Genetics
Classification: Likely benign for Neuropathy, hereditary motor and sensory, type 6A; Charcot-Marie-Tooth disease type 2A2; Charcot-Marie-Tooth disease, axonal, autosomal recessive, type 2a2b;. Last evaluated: 2021-08-12. Review status: criteria provided, single submitter. Criteria: ACMG Guidelines, 2015. Collection method: clinical testing. Allele origin: unknown.

Ambry Genetics
Classification: Likely benign for Inborn genetic diseases. Last evaluated: 2019-07-11. Review status: criteria provided, single submitter. Criteria: Ambry Variant Classification Scheme 2023. Collection method: clinical testing. Allele origin: germline.

GeneDx
Classification: Likely benign. Last evaluated: 2016-11-10. Review status: criteria provided, single submitter. Criteria: GeneDx Variant Classification (06012015). Collection method: clinical testing. Allele origin: germline. Affected: yes.
Comment: This variant is considered likely benign or benign based on one or more of the following criteria: it is a conservative change, it occurs at a poorly conserved position in the protein, it is predicted to be benign by multiple in silico algorithms, and/or has population frequency not consistent with disease.

Molecular Genetics Laboratory, London Health Sciences Centre
Classification: Likely benign for Charcot-Marie-Tooth disease. Review status: criteria provided, single submitter. Criteria: ACMG Guidelines, 2015. Collection method: clinical testing. Allele origin: germline. Affected: yes.